The following is an entry in ClinVar:

ClinVar aggregate classification (germline): Likely benign (1 of 4 stars; one submission).

Allele frequency attached by ClinVar (database versions not stated): gnomAD exomes 0.00001 and 0.00005; ExAC 0.00007; 1000 Genomes Project 30x 0.00016; 1000 Genomes Project 0.00020; TOPMed 0.00023; gnomAD 0.00025 and 0.00029; ESP Exome Variant Server 0.00031.
gnomAD v4.1: 57 of 1,612,872 alleles (0.0035%); highest among the groups gnomAD compares: African/African-American, 0.071%; no homozygotes.

Submission:

GeneDx
Classification: Likely benign. Last evaluated: 2016-03-11. Review status: criteria provided, single submitter. Criteria: GeneDx Variant Classification (06012015). Collection method: clinical testing. Allele origin: germline. Affected: yes.
Comment: This variant is considered likely benign or benign based on one or more of the following criteria: it is a conservative change, it occurs at a poorly conserved position in the protein, it is predicted to be benign by multiple in silico algorithms, and/or has population frequency not consistent with disease.

NM_006420.3(ARFGEF2):c.907+17A>G

Gene: ARFGEF2 (ARF guanine nucleotide exchange factor 2; plus strand). Cytogenetic location: 20q13.13.
Variant type: single nucleotide variant.
Coding change: c.907+17A>G on transcript NM_006420.3 (MANE Select); 17 bases into the intron after coding-DNA position 907, A replaced by G.
Molecular consequence: intron variant.
Genome position (GRCh38, 1-based): chr20:48,963,915, A>G. VCF-style: chr20-48963915-A-G. GRCh37 (hg19) VCF-style: chr20-47580452-A-G.
Identifiers: ClinVar variation 384310 (VCV000384310.1), dbSNP rs139138817, ClinGen allele CA9898270.
Genomic context (GRCh38, chr20:48,963,915, plus strand): 5'-GGTGAAGGACATCTTGGAAGATGTAGTCACATCTGCCATTAAAGGTAAGAACCAAGGACA[A>G]CCCAGCCTTTCCTCTTCCCTCATTCCTCCAAAAAGTCCTCAGCAAAATATTTTAGTGGTG-3'